The following is an entry in ClinVar:

NM_001039591.3(USP9X):c.6794C>T (p.Ser2265Leu)

Gene: USP9X (ubiquitin specific peptidase 9 X-linked; plus strand). Cytogenetic location: Xp11.4.
Variant type: single nucleotide variant.
Coding change: c.6794C>T on transcript NM_001039591.3 (MANE Select); coding-DNA position 6794, C replaced by T.
Protein change: p.Ser2265Leu; replaces serine 2265 with leucine.
Molecular consequence: missense variant.
Genome position (GRCh38, 1-based): chrX:41,224,784, C>T. VCF-style: chrX-41224784-C-T. GRCh37 (hg19) VCF-style: chrX-41084037-C-T.
Other names: c.6794C>T, p.Ser2265Leu (NM_001039590.3); short protein forms S2265L.
Identifiers: ClinVar variation 521710 (VCV000521710.6), dbSNP rs1555935589, ClinGen allele CA412749862.

ClinVar aggregate classification (germline): Uncertain significance. Review status: criteria provided, multiple submitters, no conflicts (2 of 4 stars). 2 submissions from 2 submitters: Uncertain significance (2). Last evaluated 2022-03-26.

Conditions:
Inborn genetic diseases. Identifiers: MedGen C0950123, MeSH D030342.

Submissions (2):

GeneDx
Classification: Uncertain significance. Last evaluated: 2022-03-26. Review status: criteria provided, single submitter. Criteria: GeneDx Variant Classification Process June 2021. Collection method: clinical testing. Allele origin: germline. Affected: yes.
Comment: Not observed at significant frequency in large population cohorts (gnomAD); In silico analysis supports that this missense variant does not alter protein structure/function; Has not been previously published as pathogenic or benign to our knowledge

Ambry Genetics
Classification: Uncertain significance for Inborn genetic diseases. Last evaluated: 2017-05-18. Review status: criteria provided, single submitter. Criteria: Ambry exome assertion method (8-5-2015). Collection method: clinical testing. Allele origin: germline. Affected: yes. Observed: 1 variant allele.